The following is an entry in ClinVar:

ClinVar aggregate classification (germline): Benign. Review status: criteria provided, multiple submitters, no conflicts (2 of 4 stars). 2 submissions from 2 submitters: Benign (2). Last evaluated 2018-01-12.

Conditions:
Congenital isolated adrenocorticotropic hormone deficiency. Also called: ACTH DEFICIENCY, ISOLATED; ACTH deficiency; Adrenocorticotropic hormone deficiency. Identifiers: Orphanet 199296, MedGen C0342388, MONDO:0008720, OMIM 201400, HP:0011748.

Allele frequency attached by ClinVar (database versions not stated): 1000 Genomes Project 0.02097; gnomAD 0.02157 and 0.02303; 1000 Genomes Project 30x 0.02186; ESP Exome Variant Server 0.02446; TOPMed 0.02544.

Submissions (2):

Illumina Laboratory Services, Illumina
Classification: Benign for Congenital isolated adrenocorticotropic hormone deficiency. Last evaluated: 2018-01-12. Review status: criteria provided, single submitter. Criteria: ICSL Variant Classification Criteria 13 December 2019. Collection method: clinical testing. Allele origin: germline.
Comment: This variant was observed in the ICSL laboratory as part of a predisposition screen in an ostensibly healthy population. It had not been previously curated by ICSL or reported in the Human Gene Mutation Database (HGMD: prior to June 1st, 2018), and was therefore a candidate for classification through an automated scoring system. Utilizing variant allele frequency, disease prevalence and penetrance estimates, and inheritance mode, an automated score was calculated to assess if this variant is too frequent to cause the disease. Based on the score and internal cut-off values, a variant classified as benign is not then subjected to further curation. The score for this variant resulted in a classification of benign for this disease.

Breakthrough Genomics
Classification: Benign. Review status: criteria provided, single submitter. Criteria: ACMG Guidelines, 2015. Collection method: not provided. Allele origin: germline. Inheritance: Autosomal recessive inheritance. Affected: yes.

NM_005149.3(TBX19):c.*26C>G

Gene: TBX19 (T-box transcription factor 19; plus strand). Cytogenetic location: 1q24.2.
Variant type: single nucleotide variant.
Coding change: c.*26C>G on transcript NM_005149.3 (MANE Select); 26 bases downstream of the stop codon, C replaced by G.
Molecular consequence: 3 prime UTR variant.
Genome position (GRCh38, 1-based): chr1:168,313,028, C>G. VCF-style: chr1-168313028-C-G. GRCh37 (hg19) VCF-style: chr1-168282266-C-G.
Identifiers: ClinVar variation 293482 (VCV000293482.6), dbSNP rs143627386, ClinGen allele CA1230822.